The following is an entry in ClinVar:

ClinVar aggregate classification (germline): Pathogenic (1 of 4 stars; one submission).

Conditions:
Multiple acyl-CoA dehydrogenase deficiency (MADD). Also called: Glutaric aciduria, type 2; Glutaric acidemia type II; GA 2; ETHYLMALONIC-ADIPICACIDURIA; GA II; Glutaric Acidemia type 2. Identifiers: Orphanet 26791, MedGen C0268596, MONDO:0009282, OMIM 231680.

Submission:

Labcorp Genetics (formerly Invitae), Labcorp
Classification: Pathogenic for Multiple acyl-CoA dehydrogenase deficiency. Last evaluated: 2024-07-19. Review status: criteria provided, single submitter. Criteria: Invitae Variant Classification Sherloc (09022015). Collection method: clinical testing. Allele origin: germline.
Comment: This sequence change creates a premature translational stop signal (p.Tyr271*) in the ETFDH gene. It is expected to result in an absent or disrupted protein product. Loss-of-function variants in ETFDH are known to be pathogenic (PMID: 16510302, 23785301). This variant is not present in population databases (gnomAD no frequency). This variant has not been reported in the literature in individuals affected with ETFDH-related conditions. For these reasons, this variant has been classified as Pathogenic.

Literature cited by the submitters: PubMed 16510302; PubMed 23785301.

NM_004453.4(ETFDH):c.813C>A (p.Tyr271Ter)

Gene: ETFDH (electron transfer flavoprotein dehydrogenase; plus strand). Cytogenetic location: 4q32.1.
Variant type: single nucleotide variant.
Coding change: c.813C>A on transcript NM_004453.4 (MANE Select); coding-DNA position 813, C replaced by A.
Protein change: p.Tyr271Ter; replaces tyrosine 271 with a stop codon.
Molecular consequence: nonsense.
Genome position (GRCh38, 1-based): chr4:158,695,625, C>A. VCF-style: chr4-158695625-C-A. GRCh37 (hg19) VCF-style: chr4-159616777-C-A.
Other names: c.672C>A, p.Tyr224Ter (NM_001281737.2); c.630C>A, p.Tyr210Ter (NM_001281738.1); short protein forms Y224*, Y271*, Y210*.
Identifiers: ClinVar variation 3659921 (VCV003659921.2).